The following is an entry in ClinVar:

NM_001283009.2(RTEL1):c.3693G>A (p.Thr1231=)

Genes: RTEL1 (regulator of telomere elongation helicase 1; plus strand), RTEL1-TNFRSF6B (RTEL1-TNFRSF6B readthrough (NMD candidate); plus strand). Cytogenetic location: 20q13.33.
Variant type: single nucleotide variant.
Coding change: c.3693G>A on transcript NM_001283009.2 (MANE Select); coding-DNA position 3693, G replaced by A.
Protein change: p.Thr1231=; no amino-acid change (threonine 1231 retained).
Molecular consequence: synonymous variant. On other transcripts: non-coding transcript variant (1), intron variant (3).
Genome position (GRCh38, 1-based): chr20:63,695,521, G>A. VCF-style: chr20-63695521-G-A. GRCh37 (hg19) VCF-style: chr20-62326874-G-A.
Other names: p.?; c.2983+41G>A (NM_001283010.1); c.3724+41G>A (NM_032957.5); c.3652+41G>A (NM_016434.4).
Identifiers: ClinVar variation 436580 (VCV000436580.50), dbSNP rs181080831, ClinGen allele CA9966160.

ClinVar aggregate classification (germline): Benign/Likely benign. Review status: criteria provided, multiple submitters, no conflicts (2 of 4 stars). 11 submissions from 11 submitters: Benign (3); Likely benign (6). 2 of the submissions do not count toward it. Last evaluated 2026-05-01.

Conditions:
Inborn genetic diseases. Identifiers: MedGen C0950123, MeSH D030342.
RTEL1-related disorder. Also called: RTEL1-related condition; RTEL1-related disorders.
Dyskeratosis congenita. Identifiers: Orphanet 1775, MedGen C0265965, MONDO:0015780.
Dyskeratosis congenita, autosomal recessive 5 (DKCB5). Identifiers: MedGen C3554656, MONDO:0014076, OMIM 615190.
Pulmonary fibrosis and/or bone marrow failure, Telomere-related, 3. Also called: PULMONARY FIBROSIS AND/OR BONE MARROW FAILURE SYNDROME, TELOMERE-RELATED, 3. Identifiers: Orphanet 2032, MedGen C4225346, MONDO:0014613, OMIM 616373.

Allele frequency attached by ClinVar (database versions not stated): 1000 Genomes Project 30x 0.00078; 1000 Genomes Project 0.00080; gnomAD 0.00226 and 0.00272; gnomAD exomes 0.00259 and 0.00323; ExAC 0.00282; TOPMed 0.00294; ESP Exome Variant Server 0.00301.

Submissions (11):

CeGaT Center for Human Genetics Tuebingen
Classification: Likely benign. Last evaluated: 2026-05-01. Review status: criteria provided, single submitter. Criteria: CeGaT Center For Human Genetics Tuebingen Variant Classification Criteria Version 2. Collection method: clinical testing. Allele origin: germline. Affected: yes. Observed: 21 variant alleles.
Comment: RTEL1: BP4, BP7

Labcorp Genetics (formerly Invitae), Labcorp
Classification: Benign for Dyskeratosis congenita, autosomal recessive 5; Pulmonary fibrosis and/or bone marrow failure, Telomere-related, 3. Last evaluated: 2026-02-04. Review status: criteria provided, single submitter. Criteria: Invitae Variant Classification Sherloc (09022015). Collection method: clinical testing. Allele origin: germline.

Mayo Clinic Laboratories, Mayo Clinic
Classification: Benign. Last evaluated: 2025-10-24. Review status: criteria provided, single submitter. Criteria: ACMG Guidelines, 2015. Collection method: clinical testing. Allele origin: germline. Observed: 2 variant alleles.
Comment: BS1, BS2, BP4, BP7

Blueprint Genetics
Classification: Likely benign. Last evaluated: 2024-11-20. Review status: criteria provided, single submitter. Criteria: ACMG Guidelines, 2015. Collection method: clinical testing. Allele origin: germline.

Ambry Genetics
Classification: Likely benign for Inborn genetic diseases. Last evaluated: 2024-10-02. Review status: criteria provided, single submitter. Criteria: Ambry Variant Classification Scheme 2023. Collection method: clinical testing. Allele origin: germline.

Sema4
Classification: Likely benign for Dyskeratosis congenita. Last evaluated: 2021-05-10. Review status: criteria provided, single submitter. Criteria: Sema4 Curation Guidelines. Collection method: curation. Allele origin: germline.

Genetic Services Laboratory, University of Chicago
Classification: Benign. Last evaluated: 2021-04-19. Review status: criteria provided, single submitter. Criteria: ACMG Guidelines, 2015. Collection method: clinical testing. Allele origin: germline. Affected: no.

GeneDx
Classification: Likely benign. Last evaluated: 2020-11-09. Review status: criteria provided, single submitter. Criteria: GeneDx Variant Classification Process June 2021. Collection method: clinical testing. Allele origin: germline. Affected: yes.

Breakthrough Genomics
Classification: Likely benign. Review status: criteria provided, single submitter. Criteria: ACMG Guidelines, 2015. Collection method: not provided. Allele origin: germline. Inheritance: Autosomal recessive inheritance. Affected: yes.

PreventionGenetics, part of Exact Sciences
Classification: Likely benign for RTEL1-related condition. Last evaluated: 2020-03-25. Review status: no assertion criteria provided. Collection method: clinical testing. Allele origin: germline. Not counted in ClinVar's aggregate classification.
Comment: This variant is classified as likely benign based on ACMG/AMP sequence variant interpretation guidelines (Richards et al. 2015 PMID: 25741868, with internal and published modifications).

Natera, Inc.
Classification: Likely benign for Dyskeratosis congenita. Last evaluated: 2019-10-25. Review status: no assertion criteria provided. Collection method: clinical testing. Allele origin: germline. Not counted in ClinVar's aggregate classification.